The following is an entry in ClinVar:

NM_000642.3(AGL):c.1199T>C (p.Leu400Pro)

Gene: AGL (amylo-alpha-1,6-glucosidase and 4-alpha-glucanotransferase; plus strand). Cytogenetic location: 1p21.2.
Variant type: single nucleotide variant.
Coding change: c.1199T>C on transcript NM_000642.3 (MANE Select); coding-DNA position 1199, T replaced by C.
Protein change: p.Leu400Pro; replaces leucine 400 with proline.
Molecular consequence: missense variant.
Genome position (GRCh38, 1-based): chr1:99,875,371, T>C. VCF-style: chr1-99875371-T-C. GRCh37 (hg19) VCF-style: chr1-100340927-T-C.
Other names: p.Leu400Pro; c.1199T>C, p.Leu400Pro (NM_000028.3, NM_000643.3, NM_000644.3 and 2 more transcripts); c.1151T>C, p.Leu384Pro (NM_000646.3); c.995T>C, p.Leu332Pro (NM_001425328.1, NM_001425329.1); c.821T>C, p.Leu274Pro (NM_001425332.1); short protein forms L384P, L400P, L274P, L332P.
Identifiers: ClinVar variation 1047162 (VCV001047162.7), dbSNP rs1275707003, ClinGen allele CA341345193.
Genomic context (GRCh38, chr1:99,875,371, plus strand): 5'-GTTGTCTTGAGGATGGTGATGATCTAACACAATTTAATGTTTTTCAGGCAGTTAATTGCC[T>C]TTTGGGAAATGTGTTTTATGAACGACTGGCTGGCCATGGTCCAAAACTAGGACCTGTCAC-3'
Protein context (NP_000633.2, residues 390-410): NYHQEQAVNC[Leu400Pro]LGNVFYERLA

ClinVar aggregate classification (germline): Conflicting classifications of pathogenicity. Review status: criteria provided, conflicting classifications (1 of 4 stars). 2 submissions from 2 submitters: Likely pathogenic (1); Uncertain significance (1). Last evaluated 2022-05-25.

Conditions:
Glycogen storage disease type III (GSD3). Also called: Cori disease; FORBES DISEASE. Identifiers: Orphanet 366, MedGen C0017922, MONDO:0009291, OMIM 232400.

Allele frequency attached by ClinVar (database versions not stated): gnomAD 0.00001; TOPMed 0.00001.
gnomAD v4.1: 11 of 1,614,026 alleles (0.00068%); highest among the groups gnomAD compares: African/African-American, 0.0027%; no homozygotes.

Submissions (2):

Labcorp Genetics (formerly Invitae), Labcorp
Classification: Uncertain significance for Glycogen storage disease type III. Last evaluated: 2022-05-25. Review status: criteria provided, single submitter. Criteria: Invitae Variant Classification Sherloc (09022015). Collection method: clinical testing. Allele origin: germline.
Comment: This sequence change replaces leucine, which is neutral and non-polar, with proline, which is neutral and non-polar, at codon 400 of the AGL protein (p.Leu400Pro). This variant is present in population databases (no rsID available, gnomAD 0.01%). This missense change has been observed in individual(s) with clinical features of glycogen storage disease type III (PMID: 20648714). ClinVar contains an entry for this variant (Variation ID: 1047162). Algorithms developed to predict the effect of missense changes on protein structure and function are either unavailable or do not agree on the potential impact of this missense change (SIFT: "Deleterious"; PolyPhen-2: "Benign"; Align-GVGD: "Class C0"). Experimental studies are conflicting or provide insufficient evidence to determine the effect of this variant on AGL function (PMID: 27088557). In summary, the available evidence is currently insufficient to determine the role of this variant in disease. Therefore, it has been classified as a Variant of Uncertain Significance.

Mayo Clinic Laboratories, Mayo Clinic
Classification: Likely pathogenic. Last evaluated: 2022-05-18. Review status: criteria provided, single submitter. Criteria: ACMG Guidelines, 2015. Collection method: clinical testing. Allele origin: germline. Observed: 1 variant allele.
Comment: PP3, PP4, PM2, PM3

Literature cited by the submitters: PubMed 20648714 (cited by Labcorp Genetics (formerly Invitae), Labcorp and Mayo Clinic Laboratories, Mayo Clinic); PubMed 27088557 (cited by Labcorp Genetics (formerly Invitae), Labcorp and Mayo Clinic Laboratories, Mayo Clinic); PubMed 34649782 (cited by Mayo Clinic Laboratories, Mayo Clinic).